The following is an entry in ClinVar:

NM_001605.3(AARS1):c.49T>G (p.Phe17Val)

Gene: AARS1 (alanyl-tRNA synthetase 1; minus strand). Cytogenetic location: 16q22.1.
Variant type: single nucleotide variant.
Coding change: c.49T>G on transcript NM_001605.3 (MANE Select); coding-DNA position 49, T replaced by G.
Protein change: p.Phe17Val; replaces phenylalanine 17 with valine.
Molecular consequence: missense variant.
Genome position (GRCh38, 1-based): chr16:70,282,715, A>C on the plus strand (T>G on the coding strand, the complement: AARS1 is on the minus strand). VCF-style: chr16-70282715-A-C. GRCh37 (hg19) VCF-style: chr16-70316618-A-C.
Other names: short protein forms F17V.
Identifiers: ClinVar variation 3250632 (VCV003250632.20), dbSNP rs2152170445.

ClinVar aggregate classification (germline): Uncertain significance. Review status: criteria provided, multiple submitters, no conflicts (2 of 4 stars). 2 submissions from 2 submitters: Uncertain significance (2). Last evaluated 2024-09-04.

Conditions:
Charcot-Marie-Tooth disease type 2. Also called: Charcot-Marie-Tooth type 2. Identifiers: Orphanet 64746, MedGen C0270914, MONDO:0018993.

Submissions (2):

Labcorp Genetics (formerly Invitae), Labcorp
Classification: Uncertain significance for Charcot-Marie-Tooth disease type 2. Last evaluated: 2024-09-04. Review status: criteria provided, single submitter. Criteria: Invitae Variant Classification Sherloc (09022015). Collection method: clinical testing. Allele origin: germline.
Comment: This sequence change replaces phenylalanine, which is neutral and non-polar, with valine, which is neutral and non-polar, at codon 17 of the AARS protein (p.Phe17Val). This variant is not present in population databases (gnomAD no frequency). This variant has not been reported in the literature in individuals affected with AARS-related conditions. Invitae Evidence Modeling of protein sequence and biophysical properties (such as structural, functional, and spatial information, amino acid conservation, physicochemical variation, residue mobility, and thermodynamic stability) indicates that this missense variant is expected to disrupt AARS protein function with a positive predictive value of 80%. In summary, the available evidence is currently insufficient to determine the role of this variant in disease. Therefore, it has been classified as a Variant of Uncertain Significance.

CeGaT Center for Human Genetics Tuebingen
Classification: Uncertain significance. Last evaluated: 2024-07-01. Review status: criteria provided, single submitter. Criteria: CeGaT Center For Human Genetics Tuebingen Variant Classification Criteria Version 2. Collection method: clinical testing. Allele origin: germline. Affected: yes. Observed: 1 variant allele.
Comment: AARS1: PM2